The following is an entry in ClinVar:

NM_007120.3(UGT1A4):c.42A>G (p.Thr14=)

Genes: UGT1A (UDP glucuronosyltransferase family 1 member A complex locus; plus strand), UGT1A10 (UDP glucuronosyltransferase family 1 member A10; plus strand), UGT1A4 (UDP glucuronosyltransferase family 1 member A4; plus strand), UGT1A5 (UDP glucuronosyltransferase family 1 member A5; plus strand), UGT1A6 (UDP glucuronosyltransferase family 1 member A6; plus strand) and 3 more. Cytogenetic location: 2q37.1.
Variant type: single nucleotide variant.
Coding change: c.42A>G on transcript NM_007120.3 (MANE Select); coding-DNA position 42, A replaced by G.
Protein change: p.Thr14=; no amino-acid change (threonine 14 retained).
Molecular consequence: synonymous variant. On other transcripts: intron variant (7).
Genome position (GRCh38, 1-based): chr2:233,718,862, A>G. VCF-style: chr2-233718862-A-G. GRCh37 (hg19) VCF-style: chr2-234627508-A-G.
Other names: c.856-48172A>G (NM_019076.5, NM_019075.4); c.855+46073A>G (NM_021027.3); c.855+36070A>G (NM_019077.3); c.60+24997A>G (NM_205862.3); c.861+24997A>G (NM_001072.4); c.867+5004A>G (NM_019078.2).
Identifiers: ClinVar variation 2652020 (VCV002652020.24), dbSNP rs62191899, ClinGen allele CA2178846.
Genomic context (GRCh38, chr2:233,718,862, plus strand): 5'-GTCGGTGGCTTCTGCTGAGATGGCCAGAGGACTCCAGGTTCCCCTGCCGCGGCTGGCCAC[A>G]GGACTGCTGCTCCTCCTCAGTGTCCAGCCCTGGGCTGAGAGTGGAAAGGTGTTGGTGGTG-3'
Protein context (NP_009051.1, residues 4-24): GLQVPLPRLA[Thr14=]GLLLLLSVQP

ClinVar aggregate classification (germline): Likely benign (1 of 4 stars; one submission).

Allele frequency attached by ClinVar (database versions not stated): 1000 Genomes Project 0.00040; 1000 Genomes Project 30x 0.00047; TOPMed 0.00103; ESP Exome Variant Server 0.00138; gnomAD 0.00171.
gnomAD v4.1: 3,156 of 1,613,830 alleles (0.2%); highest among the groups gnomAD compares: Non-Finnish European, 0.22%; 12 homozygotes.

Submission:

CeGaT Center for Human Genetics Tuebingen
Classification: Likely benign. Last evaluated: 2023-03-01. Review status: criteria provided, single submitter. Criteria: CeGaT Center For Human Genetics Tuebingen Variant Classification Criteria Version 2. Collection method: clinical testing. Allele origin: germline. Affected: yes. Observed: 1 variant allele.
Comment: UGT1A4: BP4, BP7